The following is an entry in ClinVar:

NM_003995.4(NPR2):c.2279A>G (p.Glu760Gly)

Gene: NPR2 (natriuretic peptide receptor 2; plus strand). Cytogenetic location: 9p13.3.
Variant type: single nucleotide variant.
Coding change: c.2279A>G on transcript NM_003995.4 (MANE Select); coding-DNA position 2279, A replaced by G.
Protein change: p.Glu760Gly; replaces glutamic acid 760 with glycine.
Molecular consequence: missense variant.
Genome position (GRCh38, 1-based): chr9:35,806,140, A>G. VCF-style: chr9-35806140-A-G. GRCh37 (hg19) VCF-style: chr9-35806137-A-G.
Other names: c.2288A>G, p.Glu763Gly (NM_001378923.1); short protein forms E763G, E760G.
Identifiers: ClinVar variation 1499157 (VCV001499157.6), dbSNP rs539647497, ClinGen allele CA5051930.

ClinVar aggregate classification (germline): Uncertain significance (1 of 4 stars; one submission).

Conditions:
Tall stature-scoliosis-macrodactyly of the great toes syndrome. Also called: Epiphyseal chondrodysplasia, miura type. Identifiers: Orphanet 329191, MedGen C4014690, MONDO:0014401, OMIM 615923.
Acromesomelic dysplasia 1, Maroteaux type (AMD1). Also called: ST. HELENA DYSPLASIA; ACROMESOMELIC DYSPLASIA 1. Identifiers: Orphanet 40, MedGen C1864356, MONDO:0011275, OMIM 602875.

Allele frequency attached by ClinVar (database versions not stated): gnomAD exomes below 0.00001; ExAC 0.00001; gnomAD 0.00001; 1000 Genomes Project 30x 0.00016; 1000 Genomes Project 0.00020.
gnomAD v4.1: 1 of 1,614,156 alleles (0.000062%); highest among the groups gnomAD compares: South Asian, 0.0011%; no homozygotes.

Submission:

Labcorp Genetics (formerly Invitae), Labcorp
Classification: Uncertain significance for Tall stature-scoliosis-macrodactyly of the great toes syndrome; Acromesomelic dysplasia 1, Maroteaux type. Last evaluated: 2022-01-15. Review status: criteria provided, single submitter. Criteria: Invitae Variant Classification Sherloc (09022015). Collection method: clinical testing. Allele origin: germline.
Comment: Algorithms developed to predict the effect of missense changes on protein structure and function (SIFT, PolyPhen-2, Align-GVGD) all suggest that this variant is likely to be disruptive. This variant has not been reported in the literature in individuals affected with NPR2-related conditions. This variant is present in population databases (rs539647497, gnomAD 0.003%). This sequence change replaces glutamic acid, which is acidic and polar, with glycine, which is neutral and non-polar, at codon 760 of the NPR2 protein (p.Glu760Gly). In summary, the available evidence is currently insufficient to determine the role of this variant in disease. Therefore, it has been classified as a Variant of Uncertain Significance.